The following is an entry in ClinVar:

ClinVar aggregate classification (germline): Uncertain significance (1 of 4 stars; one submission).

Conditions:
Hereditary spastic paraplegia 39 (SPG39). Also called: Spastic Paraplegia Type 39 (SPG39); SPASTIC PARAPLEGIA 39, AUTOSOMAL RECESSIVE. Identifiers: Orphanet 139480, MedGen C2677586, MONDO:0012787, OMIM 612020.

gnomAD v4.1: 1 of 1,547,358 alleles (0.000065%); highest among the groups gnomAD compares: Admixed American, 0.0019%; no homozygotes.

Submission:

Labcorp Genetics (formerly Invitae), Labcorp
Classification: Uncertain significance for Hereditary spastic paraplegia 39. Last evaluated: 2023-02-16. Review status: criteria provided, single submitter. Criteria: Invitae Variant Classification Sherloc (09022015). Collection method: clinical testing. Allele origin: germline.
Comment: In summary, the available evidence is currently insufficient to determine the role of this variant in disease. Therefore, it has been classified as a Variant of Uncertain Significance. Advanced modeling of protein sequence and biophysical properties (such as structural, functional, and spatial information, amino acid conservation, physicochemical variation, residue mobility, and thermodynamic stability) performed at Invitae indicates that this missense variant is expected to disrupt PNPLA6 protein function. This variant has not been reported in the literature in individuals affected with PNPLA6-related conditions. This variant is not present in population databases (gnomAD no frequency). This sequence change replaces glycine, which is neutral and non-polar, with alanine, which is neutral and non-polar, at codon 939 of the PNPLA6 protein (p.Gly939Ala).

NM_001166114.2(PNPLA6):c.2930G>C (p.Gly977Ala)

Gene: PNPLA6 (patatin like domain 6, lysophospholipase; plus strand). Cytogenetic location: 19p13.2.
Variant type: single nucleotide variant.
Coding change: c.2930G>C on transcript NM_001166114.2 (MANE Select); coding-DNA position 2930, G replaced by C.
Protein change: p.Gly977Ala; replaces glycine 977 with alanine.
Molecular consequence: missense variant.
Genome position (GRCh38, 1-based): chr19:7,555,361, G>C. VCF-style: chr19-7555361-G-C. GRCh37 (hg19) VCF-style: chr19-7620247-G-C.
Other names: c.2960G>C, p.Gly987Ala (NM_001166111.2); c.2735G>C, p.Gly912Ala (NM_001166112.2); c.2816G>C, p.Gly939Ala (NM_001166113.1, NM_006702.5); short protein forms G939A, G977A, G987A, G912A.
Identifiers: ClinVar variation 3014736 (VCV003014736.3), dbSNP rs2512554093, ClinGen allele CA403131011.